The following is an entry in ClinVar:

ClinVar aggregate classification (germline): Likely pathogenic (1 of 4 stars; one submission).

Submission:

Labcorp Genetics (formerly Invitae), Labcorp
Classification: Likely pathogenic. Last evaluated: 2022-09-19. Review status: criteria provided, single submitter. Criteria: Invitae Variant Classification Sherloc (09022015). Collection method: clinical testing. Allele origin: germline.
Comment: This variant is not present in population databases (gnomAD no frequency). In summary, the currently available evidence indicates that the variant is pathogenic, but additional data are needed to prove that conclusively. Therefore, this variant has been classified as Likely Pathogenic. Algorithms developed to predict the effect of sequence changes on RNA splicing suggest that this variant may disrupt the consensus splice site. ClinVar contains an entry for this variant (Variation ID: 1390564). This variant has not been reported in the literature in individuals affected with MYO18B-related conditions. This sequence change affects an acceptor splice site in intron 33 of the MYO18B gene. It is expected to disrupt RNA splicing. Variants that disrupt the donor or acceptor splice site typically lead to a loss of protein function (PMID: 16199547), and loss-of-function variants in MYO18B are known to be pathogenic (PMID: 25748484, 32184166, 32637634).

Literature cited by the submitters: PubMed 16199547; PubMed 25748484; PubMed 32184166; PubMed 32637634.

NM_032608.7(MYO18B):c.5365-1G>C

Gene: MYO18B (myosin XVIIIB; plus strand). Cytogenetic location: 22q12.1.
Variant type: single nucleotide variant.
Coding change: c.5365-1G>C on transcript NM_032608.7 (MANE Select); the canonical splice acceptor site of the intron before coding-DNA position 5365, G replaced by C.
Molecular consequence: splice acceptor variant.
Genome position (GRCh38, 1-based): chr22:25,921,256, G>C. VCF-style: chr22-25921256-G-C. GRCh37 (hg19) VCF-style: chr22-26317223-G-C.
Other names: c.5368-1G>C (NM_001318245.2).
Identifiers: ClinVar variation 1390564 (VCV001390564.6), dbSNP rs1427253158, ClinGen allele CA411005205.